The following is an entry in ClinVar:

ClinVar aggregate classification (germline): Uncertain significance (1 of 4 stars; one submission).

Allele frequency attached by ClinVar (database versions not stated): gnomAD exomes below 0.00001 and 0.00001; ExAC 0.00001.
gnomAD v4.1: 11 of 1,562,540 alleles (0.0007%); highest among the groups gnomAD compares: South Asian, 0.0011%; no homozygotes.

Submission:

GeneDx
Classification: Uncertain significance. Last evaluated: 2020-08-07. Review status: criteria provided, single submitter. Criteria: GeneDx Variant Classification Process June 2021. Collection method: clinical testing. Allele origin: germline. Affected: yes.
Comment: Has not been previously published as pathogenic or benign to our knowledge; In silico analysis supports that this missense variant has a deleterious effect on protein structure/function; Not observed at a significant frequency in large population cohorts (Lek et al., 2016)

NM_001005242.3(PKP2):c.1666G>A (p.Asp556Asn)

Gene: PKP2 (plakophilin 2; minus strand). Cytogenetic location: 12p11.21.
Variant type: single nucleotide variant.
Coding change: c.1666G>A on transcript NM_001005242.3 (MANE Select); coding-DNA position 1666, G replaced by A.
Protein change: p.Asp556Asn; replaces aspartic acid 556 with asparagine.
Molecular consequence: missense variant.
Genome position (GRCh38, 1-based): chr12:32,824,053, C>T on the plus strand (G>A on the coding strand, the complement: PKP2 is on the minus strand). VCF-style: chr12-32824053-C-T. GRCh37 (hg19) VCF-style: chr12-32976987-C-T.
Other names: c.1798G>A, p.Asp600Asn (NM_004572.4); short protein forms D556N, D600N.
Identifiers: ClinVar variation 1302983 (VCV001302983.2), dbSNP rs747627830, ClinGen allele CA030724.